The following is an entry in ClinVar:

ClinVar aggregate classification (germline): Uncertain significance (1 of 4 stars; one submission).

Allele frequency attached by ClinVar (database versions not stated): gnomAD exomes below 0.00001; ExAC 0.00001; gnomAD 0.00001; TOPMed 0.00002.
gnomAD v4.1: 4 of 1,612,982 alleles (0.00025%); highest among the groups gnomAD compares: African/African-American, 0.0027%; no homozygotes.

Submission:

Labcorp Genetics (formerly Invitae), Labcorp
Classification: Uncertain significance. Last evaluated: 2025-01-30. Review status: criteria provided, single submitter. Criteria: Invitae Variant Classification Sherloc (09022015). Collection method: clinical testing. Allele origin: germline.
Comment: This sequence change replaces alanine, which is neutral and non-polar, with threonine, which is neutral and polar, at codon 440 of the IKZF1 protein (p.Ala440Thr). The frequency data for this variant in the population databases is considered unreliable, as metrics indicate poor data quality at this position in the gnomAD database. This variant has not been reported in the literature in individuals affected with IKZF1-related conditions. ClinVar contains an entry for this variant (Variation ID: 1996858). An algorithm developed to predict the effect of missense changes on protein structure and function (PolyPhen-2) suggests that this variant is likely to be tolerated. In summary, the available evidence is currently insufficient to determine the role of this variant in disease. Therefore, it has been classified as a Variant of Uncertain Significance.

NM_006060.6(IKZF1):c.1318G>A (p.Ala440Thr)

Gene: IKZF1 (IKAROS family zinc finger 1; plus strand). Cytogenetic location: 7p12.2.
Variant type: single nucleotide variant.
Coding change: c.1318G>A on transcript NM_006060.6 (MANE Select); coding-DNA position 1318, G replaced by A.
Protein change: p.Ala440Thr; replaces alanine 440 with threonine.
Molecular consequence: missense variant.
Genome position (GRCh38, 1-based): chr7:50,400,385, G>A. VCF-style: chr7-50400385-G-A. GRCh37 (hg19) VCF-style: chr7-50468083-G-A.
Other names: c.1192G>A, p.Ala398Thr (NM_001220765.3, NM_001291837.2); c.1027G>A, p.Ala343Thr (NM_001220767.2); c.1057G>A, p.Ala353Thr (NM_001220768.2, NM_001291838.2); c.901G>A, p.Ala301Thr (NM_001220770.2); c.889G>A, p.Ala297Thr (NM_001220771.2, NM_001291841.1); c.931G>A, p.Ala311Thr (NM_001291839.2); c.628G>A, p.Ala210Thr (NM_001291840.1); c.859G>A, p.Ala287Thr (NM_001291842.1); and 3 more; short protein forms A210T, A297T, A398T, A440T, A287T, A301T, A460T, A245T.
Identifiers: ClinVar variation 1996858 (VCV001996858.4), dbSNP rs775617502, ClinGen allele CA4261493.